The following is an entry in ClinVar:

ClinVar aggregate classification (germline): Likely benign. Review status: criteria provided, multiple submitters, no conflicts (2 of 4 stars). 2 submissions from 2 submitters: Likely benign (2). Last evaluated 2026-01-15.

Conditions:
SLC29A3-related disorder. Also called: SLC29A3-related condition.
H syndrome. Also called: Asrar Facharzt Haque syndrome; Pigmented hypertrichosis and insulin-dependent diabetes mellitus; HISTIOCYTOSIS AND LYMPHADENOPATHY WITH OR WITHOUT CUTANEOUS, CARDIAC, AND/OR ENDOCRINE FEATURES, JOINT CONTRACTURES, AND/OR DEAFNESS; HYPERPIGMENTATION, CUTANEOUS, WITH HYPERTRICHOSIS, HEPATOSPLENOMEGALY, HEART ANOMALIES, AND HYPOGONADISM WITH OR WITHOUT HEARING LOSS; PIGMENTED HYPERTRICHOSIS WITH INSULIN-DEPENDENT DIABETES MELLITUS; ROSAI-DORFMAN DISEASE, FAMILIAL. Identifiers: Orphanet 168569, MedGen C1864445, MONDO:0011273, OMIM 602782.

Allele frequency attached by ClinVar (database versions not stated): gnomAD exomes below 0.00001; ExAC 0.00001; gnomAD 0.00001 and 0.00002; TOPMed 0.00001.
gnomAD v4.1: 7 of 1,614,054 alleles (0.00043%); highest among the groups gnomAD compares: Admixed American, 0.0033%; no homozygotes.

Submissions (2):

Labcorp Genetics (formerly Invitae), Labcorp
Classification: Likely benign for H syndrome. Last evaluated: 2026-01-15. Review status: criteria provided, single submitter. Criteria: Invitae Variant Classification Sherloc (09022015). Collection method: clinical testing. Allele origin: germline.

PreventionGenetics, part of Exact Sciences
Classification: Likely benign for SLC29A3-related condition. Last evaluated: 2025-04-11. Review status: criteria provided, single submitter. Criteria: ACMG Guidelines, 2015. Collection method: clinical testing. Allele origin: germline.
Comment: This variant is classified as likely benign based on ACMG/AMP sequence variant interpretation guidelines (Richards et al. 2015 PMID: 25741868, with internal and published modifications).

NM_018344.6(SLC29A3):c.1074T>A (p.Ala358=)

Gene: SLC29A3 (solute carrier family 29 member 3; plus strand). Cytogenetic location: 10q22.1.
Variant type: single nucleotide variant.
Coding change: c.1074T>A on transcript NM_018344.6 (MANE Select); coding-DNA position 1074, T replaced by A.
Protein change: p.Ala358=; no amino-acid change (alanine 358 retained).
Molecular consequence: synonymous variant. On other transcripts: 3 prime UTR variant (1), non-coding transcript variant (2).
Genome position (GRCh38, 1-based): chr10:71,362,254, T>A. VCF-style: chr10-71362254-T-A. GRCh37 (hg19) VCF-style: chr10-73122011-T-A.
Other names: c.1074T>A (NM_018344.5); c.*303T>A (NM_001174098.2); c.840T>A, p.Ala280= (NM_001363518.2).
Identifiers: ClinVar variation 1477882 (VCV001477882.7), dbSNP rs779240655, ClinGen allele CA5543117.